The following is an entry in ClinVar:

NM_004415.4(DSP):c.1890_1891dup (p.Gln631fs)

Gene: DSP (desmoplakin; plus strand). Cytogenetic location: 6p24.3.
Variant type: Duplication.
Coding change: c.1890_1891dup on transcript NM_004415.4 (MANE Select); coding-DNA positions 1890 to 1891, 2 bases duplicated (CC; older notation c.1890_1891dupCC).
Protein change: p.Gln631fs; shifts the reading frame from glutamine 631.
Molecular consequence: frameshift variant.
Genome position (GRCh38, 1-based): chr6:7,571,571-7,571,572, CC duplicated; duplicating any 2 consecutive bases within chr6:7,571,569-7,571,572 gives the same sequence; the c. name uses the placement nearest the transcript's 3' end. VCF-style (leftmost placement, unchanged base first): chr6-7571568-T-TCC. GRCh37 (hg19) VCF-style: chr6-7571801-T-TCC.
Other names: c.1890_1891dupCC (NM_004415.2); c.1890_1891dup, p.Gln631fs (NM_001008844.3, NM_001319034.2); short protein forms Q631fs.
Identifiers: ClinVar variation 4614060 (VCV004614060.1).

ClinVar aggregate classification (germline): Pathogenic (1 of 4 stars; one submission).

Conditions:
Cardiovascular phenotype. Identifiers: MedGen CN230736.

Submission:

Ambry Genetics
Classification: Pathogenic for Cardiovascular phenotype. Last evaluated: 2025-10-28. Review status: criteria provided, single submitter. Criteria: Ambry Variant Classification Scheme 2023. Collection method: clinical testing. Allele origin: germline.
Comment: The c.1890_1891dupCC (p.Q631Pfs*6) alteration, located in exon 14 (coding exon 14) of the DSP gene, consists of a duplication of CC at position 1890, causing a translational frameshift with a predicted alternate stop codon after 6 amino acids. This alteration is expected to result in loss of function by premature protein truncation or nonsense-mediated mRNA decay. for DSP-related cardiomyopathy; however, its clinical significance for DSP-related cardiomyopathy with woolly hair, keratoderma, and tooth agenesis is uncertain. This variant was not reported in population-based cohorts in the Genome Aggregation Database (gnomAD). Based on the available evidence, this alteration is classified as pathogenic.